The following is an entry in ClinVar:

ClinVar aggregate classification (germline): Conflicting classifications of pathogenicity. Review status: criteria provided, conflicting classifications (1 of 4 stars). 8 submissions from 8 submitters: Uncertain significance (2); Benign (2); Likely benign (4). Last evaluated 2026-01-28.

Conditions:
SGCA-related disorder. Also called: SGCA-related condition.
Autosomal recessive limb-girdle muscular dystrophy type 2D (LGMDR3). Also called: MUSCULAR DYSTROPHY, LIMB-GIRDLE, AUTOSOMAL RECESSIVE 3; ADHALINOPATHY, PRIMARY; DUCHENNE-LIKE AUTOSOMAL RECESSIVE MUSCULAR DYSTROPHY, TYPE 2. Identifiers: Orphanet 62, MedGen C2936332, MONDO:0011968, OMIM 608099. Disease mechanism: Affects gamma-sarcoglycan and also disrupts the integrity of the entire sarcoglycan complex..

Allele frequency attached by ClinVar (database versions not stated): TOPMed 0.00018; ESP Exome Variant Server 0.00031; 1000 Genomes Project 30x 0.00062; 1000 Genomes Project 0.00080; gnomAD 0.00085 and 0.00087; ExAC 0.00098; gnomAD exomes 0.00101.
gnomAD v4.1: 924 of 1,614,068 alleles (0.057%); highest among the groups gnomAD compares: Non-Finnish European, 0.04%; 2 homozygotes.

Submissions (8):

Labcorp Genetics (formerly Invitae), Labcorp
Classification: Likely benign for Autosomal recessive limb-girdle muscular dystrophy type 2D. Last evaluated: 2026-01-28. Review status: criteria provided, single submitter. Criteria: Invitae Variant Classification Sherloc (09022015). Collection method: clinical testing. Allele origin: germline.

PreventionGenetics, part of Exact Sciences
Classification: Benign for SGCA-related condition. Last evaluated: 2025-09-05. Review status: criteria provided, single submitter. Criteria: ACMG Guidelines, 2015. Collection method: clinical testing. Allele origin: germline.
Comment: This variant is classified as benign based on ACMG/AMP sequence variant interpretation guidelines (Richards et al. 2015 PMID: 25741868, with internal and published modifications).

Mayo Clinic Laboratories, Mayo Clinic
Classification: Uncertain significance. Last evaluated: 2025-04-30. Review status: criteria provided, single submitter. Criteria: ACMG Guidelines, 2015. Collection method: clinical testing. Allele origin: germline. Observed: 1 variant allele.
Comment: BS1, PP3_moderate

Blueprint Genetics
Classification: Likely benign. Last evaluated: 2024-11-21. Review status: criteria provided, single submitter. Criteria: ACMG Guidelines, 2015. Collection method: clinical testing. Allele origin: germline.

Athena Diagnostics
Classification: Likely benign. Last evaluated: 2023-12-07. Review status: criteria provided, single submitter. Criteria: Athena Diagnostics Criteria. Collection method: clinical testing. Allele origin: unknown.

CeGaT Center for Human Genetics Tuebingen
Classification: Uncertain significance. Last evaluated: 2022-12-01. Review status: criteria provided, single submitter. Criteria: CeGaT Center For Human Genetics Tuebingen Variant Classification Criteria Version 2. Collection method: clinical testing. Allele origin: germline. Affected: yes. Observed: 2 variant alleles.

GeneDx
Classification: Likely benign. Last evaluated: 2021-05-01. Review status: criteria provided, single submitter. Criteria: GeneDx Variant Classification Process June 2021. Collection method: clinical testing. Allele origin: germline. Affected: yes.

Eurofins Ntd Llc (ga)
Classification: Benign. Last evaluated: 2016-10-12. Review status: criteria provided, single submitter. Criteria: EGL Classification Definitions 2015. Collection method: clinical testing. Allele origin: germline. Observed: 1 variant allele, 1 heterozygote.

Literature cited by the submitters: PubMed 34345284 (cited by Mayo Clinic Laboratories, Mayo Clinic and Athena Diagnostics); PubMed 36496093 (cited by Mayo Clinic Laboratories, Mayo Clinic).

NM_000023.4(SGCA):c.329G>A (p.Arg110Gln)

Gene: SGCA (sarcoglycan alpha; plus strand). Cytogenetic location: 17q21.33.
Variant type: single nucleotide variant.
Coding change: c.329G>A on transcript NM_000023.4 (MANE Select); coding-DNA position 329, G replaced by A.
Protein change: p.Arg110Gln; replaces arginine 110 with glutamine.
Molecular consequence: missense variant. On other transcripts: non-coding transcript variant (1).
Genome position (GRCh38, 1-based): chr17:50,167,963, G>A. VCF-style: chr17-50167963-G-A. GRCh37 (hg19) VCF-style: chr17-48245324-G-A.
Other names: p.Arg110Gln; c.329G>A (NM_000023.3); c.329G>A, p.Arg110Gln (NM_001135697.3); short protein forms R110Q.
Identifiers: ClinVar variation 497191 (VCV000497191.65), dbSNP rs145697858, ClinGen allele CA8643771.